The following is an entry in ClinVar:

NM_001005273.3(CHD3):c.2344-4C>T

Gene: CHD3 (chromodomain helicase DNA binding protein 3; plus strand). Cytogenetic location: 17p13.1.
Variant type: single nucleotide variant.
Coding change: c.2344-4C>T on transcript NM_001005273.3 (MANE Select); 4 bases into the intron before coding-DNA position 2344, C replaced by T.
Molecular consequence: intron variant.
Genome position (GRCh38, 1-based): chr17:7,899,339, C>T. VCF-style: chr17-7899339-C-T. GRCh37 (hg19) VCF-style: chr17-7802657-C-T.
Other names: c.2521-4C>T (NM_001005271.3); c.2344-4C>T (NM_005852.4).
Identifiers: ClinVar variation 2471929 (VCV002471929.19), dbSNP rs373177060, ClinGen allele CA8362876.

ClinVar aggregate classification (germline): Likely benign. Review status: criteria provided, multiple submitters, no conflicts (2 of 4 stars). 3 submissions from 3 submitters: Likely benign (2). 1 of the submissions does not count toward it. Last evaluated 2024-08-01.

Conditions:
CHD3-related disorder. Also called: CHD3-related condition.
Inborn genetic diseases. Identifiers: MedGen C0950123, MeSH D030342.

Allele frequency attached by ClinVar (database versions not stated): gnomAD 0.00006; ESP Exome Variant Server 0.00008; TOPMed 0.00011; gnomAD exomes 0.00014; 1000 Genomes Project 30x 0.00016; 1000 Genomes Project 0.00020; ExAC 0.00020.
gnomAD v4.1: 235 of 1,614,002 alleles (0.015%); highest among the groups gnomAD compares: Middle Eastern, 0.31%; no homozygotes.

Submissions (3):

CeGaT Center for Human Genetics Tuebingen
Classification: Likely benign. Last evaluated: 2024-08-01. Review status: criteria provided, single submitter. Criteria: CeGaT Center For Human Genetics Tuebingen Variant Classification Criteria Version 2. Collection method: clinical testing. Allele origin: germline. Affected: yes. Observed: 1 variant allele.
Comment: CHD3: BP4, BS2

Ambry Genetics
Classification: Likely benign for Inborn genetic diseases. Last evaluated: 2023-01-30. Review status: criteria provided, single submitter. Criteria: Ambry Variant Classification Scheme 2023. Collection method: clinical testing. Allele origin: germline.

PreventionGenetics, part of Exact Sciences
Classification: Likely benign for CHD3-related condition. Last evaluated: 2019-02-28. Review status: no assertion criteria provided. Collection method: clinical testing. Allele origin: germline. Not counted in ClinVar's aggregate classification.
Comment: This variant is classified as likely benign based on ACMG/AMP sequence variant interpretation guidelines (Richards et al. 2015 PMID: 25741868, with internal and published modifications).